The following is an entry in ClinVar:

ClinVar aggregate classification (germline): Uncertain significance (1 of 4 stars; one submission).

Submission:

Ambry Genetics
Classification: Uncertain significance. Last evaluated: 2026-01-09. Review status: criteria provided, single submitter. Criteria: Ambry Variant Classification Scheme 2023. Collection method: clinical testing. Allele origin: germline.
Comment: The c.655G>A (p.G219S) alteration is located in exon 4 (coding exon 2) of the ZNF575 gene. This alteration results from a G to A substitution at nucleotide position 655, causing the glycine (G) at amino acid position 219 to be replaced by a serine (S). Based on data from gnomAD, the A allele has an overall frequency of 0.001% (3/248598) total alleles studied. The highest observed frequency was 0.003% (3/111956) of European (non-Finnish) alleles. Based on insufficient or conflicting evidence, the clinical significance of this alteration remains unclear.

NM_174945.3(ZNF575):c.655G>A (p.Gly219Ser)

Gene: ZNF575 (zinc finger protein 575; plus strand). Cytogenetic location: 19q13.31.
Variant type: single nucleotide variant.
Coding change: c.655G>A on transcript NM_174945.3 (MANE Select); coding-DNA position 655, G replaced by A.
Protein change: p.Gly219Ser; replaces glycine 219 with serine.
Molecular consequence: missense variant.
Genome position (GRCh38, 1-based): chr19:43,535,604, G>A. VCF-style: chr19-43535604-G-A. GRCh37 (hg19) VCF-style: chr19-44039756-G-A.
Other names: c.655G>A, p.Gly219Ser (NM_001394237.1); short protein forms G219S.
Identifiers: ClinVar variation 4832589 (VCV004832589.1).